The following is an entry in ClinVar:

ClinVar aggregate classification (germline): Pathogenic. Review status: criteria provided, multiple submitters, no conflicts (2 of 4 stars). 3 submissions from 3 submitters: Pathogenic (2). 1 of the submissions does not count toward it. Last evaluated 2021-11-07.

Conditions:
Maple syrup urine disease type 1A (MSUD1A). Also called: MSUD type 1A. Identifiers: MedGen C1855369, MONDO:0023691, OMIM 248600.
Maple syrup urine disease (MSUD). Identifiers: Orphanet 511, MedGen C0024776, MeSH D008375, MONDO:0009563. Disease mechanism: loss of function.

Submissions (3):

Genome-Nilou Lab
Classification: Pathogenic for Maple syrup urine disease type 1A. Last evaluated: 2021-11-07. Review status: criteria provided, single submitter. Criteria: ACMG Guidelines, 2015. Collection method: clinical testing. Allele origin: germline. Affected: no.

GeneDx
Classification: Pathogenic. Last evaluated: 2016-01-21. Review status: criteria provided, single submitter. Criteria: GeneDx Variant Classification (06012015). Collection method: clinical testing. Allele origin: germline. Affected: yes.
Comment: The c.275-2 A>G splice site variant in the BCKDHB gene destroys the canonical splice acceptor site in intron 2. It is predicted to cause abnormal gene splicing, either leading to an abnormal message that is subject to nonsense-mediated mRNA decay, or to an abnormal protein product if the message is used for protein translation. The c.275-2 A>G variant was not observed in approximately 6500 individuals of European and African American ancestry in the NHLBI Exome Sequencing Project, indicating it is not a common benign variant in these populations. Although c.275-2 A>G has not been previously reported in a patient with maple syrup urine disease (MSUD) to our knowledge, we interpret it to be a pathogenic variant.

Counsyl
Classification: Likely pathogenic for Maple syrup urine disease type 1A. Last evaluated: 2017-11-29. Review status: no assertion criteria provided. Collection method: clinical testing. Allele origin: unknown. Not counted in ClinVar's aggregate classification.

NM_183050.4(BCKDHB):c.275-2A>G

Gene: BCKDHB (branched chain keto acid dehydrogenase E1 subunit beta; plus strand). Cytogenetic location: 6q14.1.
Variant type: single nucleotide variant.
Coding change: c.275-2A>G on transcript NM_183050.4 (MANE Select); the canonical splice acceptor site of the intron before coding-DNA position 275, A replaced by G.
Molecular consequence: splice acceptor variant.
Genome position (GRCh38, 1-based): chr6:80,129,159, A>G. VCF-style: chr6-80129159-A-G. GRCh37 (hg19) VCF-style: chr6-80838876-A-G.
Other names: c.65-2A>G (NM_001318975.1); c.275-2A>G (NM_000056.5).
Identifiers: ClinVar variation 449661 (VCV000449661.5), dbSNP rs1554184224, ClinGen allele CA364659123.